The following is an entry in ClinVar:

NM_002907.4(RECQL):c.1028C>T (p.Ala343Val)

Gene: RECQL (RecQ like helicase; minus strand). Cytogenetic location: 12p12.1.
Variant type: single nucleotide variant.
Coding change: c.1028C>T on transcript NM_002907.4 (MANE Select); coding-DNA position 1028, C replaced by T.
Protein change: p.Ala343Val; replaces alanine 343 with valine.
Molecular consequence: missense variant.
Genome position (GRCh38, 1-based): chr12:21,475,746, G>A on the plus strand (C>T on the coding strand, the complement: RECQL is on the minus strand). VCF-style: chr12-21475746-G-A. GRCh37 (hg19) VCF-style: chr12-21628680-G-A.
Other names: c.1028C>T, p.Ala343Val (NM_032941.3); short protein forms A343V.
Identifiers: ClinVar variation 3431782 (VCV003431782.1).

ClinVar aggregate classification (germline): Uncertain significance (1 of 4 stars; one submission).

gnomAD v4.1: 1 of 1,613,358 alleles (0.000062%); highest among the groups gnomAD compares: Non-Finnish European, 0.000085%; no homozygotes.

Submission:

Ambry Genetics
Classification: Uncertain significance. Last evaluated: 2024-07-23. Review status: criteria provided, single submitter. Criteria: Ambry Variant Classification Scheme 2023. Collection method: clinical testing. Allele origin: germline.
Comment: The p.A343V variant (also known as c.1028C>T), located in coding exon 8 of the RECQL gene, results from a C to T substitution at nucleotide position 1028. The alanine at codon 343 is replaced by valine, an amino acid with similar properties. This amino acid position is conserved. In addition, this alteration is predicted to be tolerated by in silico analysis. Based on the available evidence, the clinical significance of this variant remains unclear.